The following is an entry in ClinVar:

ClinVar aggregate classification (germline): Uncertain significance (1 of 4 stars; one submission).

gnomAD v4.1: 1 of 1,613,882 alleles (0.000062%); highest among the groups gnomAD compares: Non-Finnish European, 0.000085%; no homozygotes.

Submission:

Labcorp Genetics (formerly Invitae), Labcorp
Classification: Uncertain significance. Last evaluated: 2023-11-10. Review status: criteria provided, single submitter. Criteria: Invitae Variant Classification Sherloc (09022015). Collection method: clinical testing. Allele origin: germline.
Comment: This sequence change affects codon 447 of the ERCC3 mRNA. It is a 'silent' change, meaning that it does not change the encoded amino acid sequence of the ERCC3 protein. It affects a nucleotide within the consensus splice site. This variant is not present in population databases (gnomAD no frequency). This variant has not been reported in the literature in individuals affected with ERCC3-related conditions. Algorithms developed to predict the effect of sequence changes on RNA splicing suggest that this variant is not likely to affect RNA splicing. In summary, the available evidence is currently insufficient to determine the role of this variant in disease. Therefore, it has been classified as a Variant of Uncertain Significance.

NM_000122.2(ERCC3):c.1341A>T (p.Pro447=)

Gene: ERCC3 (ERCC excision repair 3, TFIIH core complex helicase subunit; minus strand). Cytogenetic location: 2q14.3.
Variant type: single nucleotide variant.
Coding change: c.1341A>T on transcript NM_000122.2 (MANE Select); coding-DNA position 1341, A replaced by T.
Protein change: p.Pro447=; no amino-acid change (proline 447 retained).
Molecular consequence: synonymous variant.
Genome position (GRCh38, 1-based): chr2:127,286,704, T>A on the plus strand (A>T on the coding strand, the complement: ERCC3 is on the minus strand). VCF-style: chr2-127286704-T-A. GRCh37 (hg19) VCF-style: chr2-128044280-T-A.
Other names: c.1149A>T, p.Pro383= (NM_001303416.2, NM_001303418.2).
Identifiers: ClinVar variation 2877474 (VCV002877474.3), dbSNP rs1271029657, ClinGen allele CA428842564.